The following is an entry in ClinVar:

ClinVar aggregate classification (germline): Pathogenic (1 of 4 stars; one submission).

Submission:

Labcorp Genetics (formerly Invitae), Labcorp
Classification: Pathogenic. Last evaluated: 2023-10-04. Review status: criteria provided, single submitter. Criteria: Invitae Variant Classification Sherloc (09022015). Collection method: clinical testing. Allele origin: germline.
Comment: This sequence change creates a premature translational stop signal (p.Gln1041Serfs*12) in the TG gene. It is expected to result in an absent or disrupted protein product. Loss-of-function variants in TG are known to be pathogenic (PMID: 19837936, 23164529). This variant is not present in population databases (gnomAD no frequency). This variant has not been reported in the literature in individuals affected with TG-related conditions. For these reasons, this variant has been classified as Pathogenic.

Literature cited by the submitters: PubMed 19837936; PubMed 23164529.

NM_003235.5(TG):c.3120del (p.Gln1041fs)

Gene: TG (thyroglobulin; plus strand). Cytogenetic location: 8q24.22.
Variant type: Deletion.
Coding change: c.3120del on transcript NM_003235.5 (MANE Select); coding-DNA position 3120, one base deleted (G; older notation c.3120delG).
Protein change: p.Gln1041fs; shifts the reading frame from glutamine 1041.
Molecular consequence: frameshift variant.
Genome position (GRCh38, 1-based): chr8:132,897,767, G deleted. VCF-style (leftmost placement, unchanged base first): chr8-132897766-TG-T. GRCh37 (hg19) VCF-style: chr8-133910011-TG-T.
Other names: short protein forms Q1041fs.
Identifiers: ClinVar variation 2765518 (VCV002765518.3), dbSNP rs2490009847, ClinGen allele CA2697550153.
Genomic context (GRCh38, chr8:132,897,766, plus strand): 5'-CCCTTCTGCGGTCGGGCCCCTACATGCCACAGTGTGATGCGTTTGGAAGTTGGGAGCCTG[TG>T]CAGTGCCACGCTGGGACTGGTAAGGAGGGATAGGCACCTTCAGGTGGCCAAGTGACACCC-3'